The following is an entry in ClinVar:

ClinVar aggregate classification (germline): Benign (0 of 4 stars; one submission).

Conditions:
DNAH7-related disorder. Also called: DNAH7-related condition.

Allele frequency attached by ClinVar (database versions not stated): ExAC 0.04580; gnomAD exomes 0.04588; 1000 Genomes Project 0.05671; 1000 Genomes Project 30x 0.05840; gnomAD 0.06717; TOPMed 0.06996; ESP Exome Variant Server 0.07152.
gnomAD v4.1: 77,349 of 1,613,828 alleles (4.8%); highest among the groups gnomAD compares: African/African-American, 13%; 2,239 homozygotes.

Submission:

PreventionGenetics, part of Exact Sciences
Classification: Benign for DNAH7-related condition. Last evaluated: 2019-10-28. Review status: no assertion criteria provided. Collection method: clinical testing. Allele origin: germline.
Comment: This variant is classified as benign based on ACMG/AMP sequence variant interpretation guidelines (Richards et al. 2015 PMID: 25741868, with internal and published modifications).

NM_018897.3(DNAH7):c.1895C>G (p.Ser632Cys)

Gene: DNAH7 (dynein axonemal heavy chain 7; minus strand). Cytogenetic location: 2q32.3.
Variant type: single nucleotide variant.
Coding change: c.1895C>G on transcript NM_018897.3 (MANE Select); coding-DNA position 1895, C replaced by G.
Protein change: p.Ser632Cys; replaces serine 632 with cysteine.
Molecular consequence: missense variant.
Genome position (GRCh38, 1-based): chr2:195,972,405, G>C on the plus strand (C>G on the coding strand, the complement: DNAH7 is on the minus strand). VCF-style: chr2-195972405-G-C. GRCh37 (hg19) VCF-style: chr2-196837129-G-C.
Other names: short protein forms S632C.
Identifiers: ClinVar variation 3060513 (VCV003060513.2), dbSNP rs73042525, ClinGen allele CA2036492.